The following is an entry in ClinVar:

ClinVar aggregate classification (germline): Uncertain significance (1 of 4 stars; one submission).

Conditions:
Long QT syndrome (LQTS). Identifiers: MedGen C0023976, MeSH D008133, MONDO:0002442. Disease mechanism: loss of function. Inheritance: Various modes of inheritance.

Allele frequency attached by ClinVar (database versions not stated): gnomAD exomes below 0.00001; gnomAD 0.00001.
gnomAD v4.1: 3 of 1,598,766 alleles (0.00019%); highest among the groups gnomAD compares: Admixed American, 0.0017%; no homozygotes.

Submission:

Labcorp Genetics (formerly Invitae), Labcorp
Classification: Uncertain significance for Long QT syndrome. Last evaluated: 2016-11-22. Review status: criteria provided, single submitter. Criteria: Invitae Variant Classification Sherloc (09022015). Collection method: clinical testing. Allele origin: germline.
Comment: In summary, this variant is a novel missense change with uncertain impact on protein function. It has been classified as a Variant of Uncertain Significance. Algorithms developed to predict the effect of missense changes on protein structure and function do not agree on the potential impact of this missense change (SIFT: "Deleterious"; PolyPhen-2: "Possibly Damaging"; Align-GVGD: "Class C0"). This variant is not present in population databases (ExAC no frequency) and has not been reported in the literature in individuals with a CACNA1C-related disease. This sequence change replaces aspartic acid with asparagine at codon 2065 of the CACNA1C protein (p.Asp2065Asn). The aspartic acid residue is moderately conserved and there is a small physicochemical difference between aspartic acid and asparagine.

NM_000719.7(CACNA1C):c.6193G>A (p.Asp2065Asn)

Genes: CACNA1C (calcium voltage-gated channel subunit alpha1 C; plus strand), CACNA1C-AS1 (CACNA1C antisense RNA 1; minus strand). Cytogenetic location: 12p13.33.
Variant type: single nucleotide variant.
Coding change: c.6193G>A on transcript NM_000719.7 (MANE Select); coding-DNA position 6193, G replaced by A.
Protein change: p.Asp2065Asn; replaces aspartic acid 2065 with asparagine.
Molecular consequence: missense variant. On other transcripts: non-coding transcript variant (1).
Genome position (GRCh38, 1-based): chr12:2,690,975, G>A. VCF-style: chr12-2690975-G-A. GRCh37 (hg19) VCF-style: chr12-2800141-G-A.
Other names: c.6337G>A, p.Asp2113Asn (NM_001129827.2); c.6316G>A, p.Asp2106Asn (NM_001129829.2); c.6298G>A, p.Asp2100Asn (NM_001129830.3, NM_001167624.3); c.6277G>A, p.Asp2093Asn (NM_001129831.2); c.6253G>A, p.Asp2085Asn (NM_001129832.2); c.6250G>A, p.Asp2084Asn (NM_001129833.2, NM_001129834.2, NM_001129835.2); c.6244G>A, p.Asp2082Asn (NM_001129836.2); c.6217G>A, p.Asp2073Asn (NM_001129837.2, NM_001129838.2); and 6 more; short protein forms D2100N, D2113N, D2065N, D2054N, D2062N, D2071N, D2125N, D2084N.
Identifiers: ClinVar variation 411735 (VCV000411735.10), dbSNP rs1060503451, ClinGen allele CA16613726.